The following is an entry in ClinVar:

NC_000023.10:g.(?_19368035)_(19377771_?)dup

Gene: PDHA1 (pyruvate dehydrogenase E1 subunit alpha 1; plus strand). Cytogenetic location: Xp22.12.
Variant type: Duplication.
Identifiers: ClinVar variation 2422812 (VCV002422812.3).

ClinVar aggregate classification (germline): Uncertain significance (1 of 4 stars; one submission).

Conditions:
Pyruvate dehydrogenase E1-alpha deficiency (PDHAD). Also called: ATAXIA, INTERMITTENT, WITH PYRUVATE DEHYDROGENASE DEFICIENCY; ATAXIA WITH LACTIC ACIDOSIS I; ATAXIA, INTERMITTENT, WITH ABNORMAL PYRUVATE METABOLISM; Ataxia, intermittent, with pyruvate dehydrogenase, or decarboxylase, deficiency. Identifiers: Orphanet 79243, MedGen C1839413, MONDO:0010717, OMIM 312170.

Submission:

Labcorp Genetics (formerly Invitae), Labcorp
Classification: Uncertain significance for Pyruvate dehydrogenase E1-alpha deficiency. Last evaluated: 2022-09-27. Review status: criteria provided, single submitter. Criteria: Invitae Variant Classification Sherloc (09022015). Collection method: clinical testing. Allele origin: germline.
Comment: This variant results in a copy number gain of the genomic region encompassing exon(s) 3-11 of the PDHA1 gene. This region includes the termination codon of the gene. This copy number gain extends beyond the assayed region for this gene and therefore may encompass additional genes. As the precise location of this event is unknown, it may be in tandem or it may be located elsewhere in the genome. This variant has not been reported in the literature in individuals affected with PDHA1-related conditions. In summary, the available evidence is currently insufficient to determine the role of this variant in disease. Therefore, it has been classified as a Variant of Uncertain Significance.